The following is an entry in ClinVar:

ClinVar aggregate classification (germline): Uncertain significance (1 of 4 stars; one submission).

Allele frequency attached by ClinVar (database versions not stated): TOPMed 0.00001; gnomAD exomes 0.00003; gnomAD 0.00001.

Submission:

Labcorp Genetics (formerly Invitae), Labcorp
Classification: Uncertain significance. Last evaluated: 2025-12-24. Review status: criteria provided, single submitter. Criteria: Invitae Variant Classification Sherloc (09022015). Collection method: clinical testing. Allele origin: germline.
Comment: This sequence change replaces glutamine, which is neutral and polar, with arginine, which is basic and polar, at codon 3164 of the VCAN protein (p.Gln3164Arg). This variant is present in population databases (no rsID available, gnomAD 0.008%). This variant has not been reported in the literature in individuals affected with VCAN-related conditions. ClinVar contains an entry for this variant (Variation ID: 2818190). An algorithm developed to predict the effect of missense changes on protein structure and function outputs the following: PolyPhen-2: "Benign". The arginine amino acid residue is found in multiple mammalian species, which suggests that this missense change does not adversely affect protein function. In summary, the available evidence is currently insufficient to determine the role of this variant in disease. Therefore, it has been classified as a Variant of Uncertain Significance.

NM_004385.5(VCAN):c.9491A>G (p.Gln3164Arg)

Genes: VCAN (versican; plus strand), VCAN-AS1 (VCAN antisense RNA 1; minus strand). Cytogenetic location: 5q14.3.
Variant type: single nucleotide variant.
Coding change: c.9491A>G on transcript NM_004385.5 (MANE Select); coding-DNA position 9491, A replaced by G.
Protein change: p.Gln3164Arg; replaces glutamine 3164 with arginine.
Molecular consequence: missense variant.
Genome position (GRCh38, 1-based): chr5:83,548,082, A>G. VCF-style: chr5-83548082-A-G. GRCh37 (hg19) VCF-style: chr5-82843901-A-G.
Other names: c.4229A>G, p.Gln1410Arg (NM_001164098.2); c.1268A>G, p.Gln423Arg (NM_001126336.3); c.6530A>G, p.Gln2177Arg (NM_001164097.2); short protein forms Q2177R, Q3164R, Q1410R, Q423R.
Identifiers: ClinVar variation 2818190 (VCV002818190.3), dbSNP rs1045363794, ClinGen allele CA121779531.